The following is an entry in ClinVar:

NM_004304.5(ALK):c.4625C>T (p.Pro1542Leu)

Gene: ALK (ALK receptor tyrosine kinase; minus strand). Cytogenetic location: 2p23.2.
Variant type: single nucleotide variant.
Coding change: c.4625C>T on transcript NM_004304.5 (MANE Select); coding-DNA position 4625, C replaced by T.
Protein change: p.Pro1542Leu; replaces proline 1542 with leucine.
Molecular consequence: missense variant.
Genome position (GRCh38, 1-based): chr2:29,193,462, G>A on the plus strand (C>T on the coding strand, the complement: ALK is on the minus strand). VCF-style: chr2-29193462-G-A. GRCh37 (hg19) VCF-style: chr2-29416328-G-A.
Other names: c.1421C>T, p.Pro474Leu (NM_001353765.2); short protein forms P1542L, P474L.
Identifiers: ClinVar variation 239841 (VCV000239841.11), dbSNP rs878854659, ClinGen allele CA10581957.

ClinVar aggregate classification (germline): Uncertain significance. Review status: criteria provided, multiple submitters, no conflicts (2 of 4 stars). 2 submissions from 2 submitters: Uncertain significance (2). Last evaluated 2025-12-09.

Conditions:
Hereditary cancer-predisposing syndrome. Also called: Neoplastic Syndromes, Hereditary; Tumor predisposition; Hereditary neoplastic syndrome; Hereditary Cancer Syndrome. Identifiers: Orphanet 140162, MedGen C0027672, MeSH D009386, MONDO:0015356.
Neuroblastoma, susceptibility to, 3. Also called: ALK-Related Neuroblastic Tumor Susceptibility. Identifiers: Orphanet 635, MedGen C2751681, MONDO:0013083, OMIM 613014.

Allele frequency attached by ClinVar (database versions not stated): gnomAD exomes 0.00001.
gnomAD v4.1: 4 of 1,614,172 alleles (0.00025%); highest among the groups gnomAD compares: East Asian, 0.0089%; no homozygotes.

Submissions (2):

Labcorp Genetics (formerly Invitae), Labcorp
Classification: Uncertain significance for Neuroblastoma, susceptibility to, 3. Last evaluated: 2025-12-09. Review status: criteria provided, single submitter. Criteria: Invitae Variant Classification Sherloc (09022015). Collection method: clinical testing. Allele origin: germline.
Comment: This sequence change replaces proline, which is neutral and non-polar, with leucine, which is neutral and non-polar, at codon 1542 of the ALK protein (p.Pro1542Leu). This variant is not present in population databases (gnomAD no frequency). This variant has not been reported in the literature in individuals affected with ALK-related conditions. ClinVar contains an entry for this variant (Variation ID: 239841). An algorithm developed to predict the effect of missense changes on protein structure and function (PolyPhen-2) suggests that this variant is likely to be tolerated. In summary, the available evidence is currently insufficient to determine the role of this variant in disease. Therefore, it has been classified as a Variant of Uncertain Significance.

Ambry Genetics
Classification: Uncertain significance for Hereditary cancer-predisposing syndrome. Last evaluated: 2023-10-01. Review status: criteria provided, single submitter. Criteria: Ambry Variant Classification Scheme 2023. Collection method: clinical testing. Allele origin: germline.
Comment: The p.P1542L variant (also known as c.4625C>T), located in coding exon 29 of the ALK gene, results from a C to T substitution at nucleotide position 4625. The proline at codon 1542 is replaced by leucine, an amino acid with similar properties. This amino acid position is conserved. In addition, this alteration is predicted to be tolerated by in silico analysis. Since supporting evidence is limited at this time, the clinical significance of this alteration remains unclear.